The following is an entry in ClinVar:

ClinVar aggregate classification (germline): Uncertain significance (1 of 4 stars; one submission).

gnomAD v4.1: 1 of 1,614,130 alleles (0.000062%); highest among the groups gnomAD compares: Admixed American, 0.0017%; no homozygotes.

Submission:

GeneDx
Classification: Uncertain significance. Last evaluated: 2025-07-06. Review status: criteria provided, single submitter. Criteria: GeneDx Variant Classification Process June 2021. Collection method: clinical testing. Allele origin: germline.
Comment: Not observed at significant frequency in large population cohorts (gnomAD); In silico analysis supports that this missense variant has a deleterious effect on protein structure/function; This variant is associated with the following publications: (PMID: 31212687, 37749390, 38227553)

NM_023110.3(FGFR1):c.2104C>A (p.Pro702Thr)

Gene: FGFR1 (fibroblast growth factor receptor 1; minus strand). Cytogenetic location: 8p11.23.
Variant type: single nucleotide variant.
Coding change: c.2104C>A on transcript NM_023110.3 (MANE Select); coding-DNA position 2104, C replaced by A.
Protein change: p.Pro702Thr; replaces proline 702 with threonine.
Molecular consequence: missense variant.
Genome position (GRCh38, 1-based): chr8:38,414,234, G>T on the plus strand (C>A on the coding strand, the complement: FGFR1 is on the minus strand). VCF-style: chr8-38414234-G-T. GRCh37 (hg19) VCF-style: chr8-38271752-G-T.
Other names: c.2098C>A, p.Pro700Thr (NM_001174063.2, NM_001174065.2, NM_001354367.2 and 1 more transcripts); c.2074C>A, p.Pro692Thr (NM_001174064.2); c.1837C>A, p.Pro613Thr (NM_001174066.2, NM_023105.3); c.2197C>A, p.Pro733Thr (NM_001174067.2); c.1825C>A, p.Pro609Thr (NM_001354368.2); c.2092C>A, p.Pro698Thr (NM_001354369.2, NM_001410922.1); c.1831C>A, p.Pro611Thr (NM_001354370.2, NM_023106.3); short protein forms P609T, P611T, P613T, P692T, P698T, P700T, P702T, P733T.
Identifiers: ClinVar variation 3343963 (VCV003343963.2).